The following is an entry in ClinVar:

NM_004281.4(BAG3):c.1138C>T (p.Pro380Ser)

Gene: BAG3 (BAG cochaperone 3; plus strand). Cytogenetic location: 10q26.11.
Variant type: single nucleotide variant.
Coding change: c.1138C>T on transcript NM_004281.4 (MANE Select); coding-DNA position 1138, C replaced by T.
Protein change: p.Pro380Ser; replaces proline 380 with serine.
Molecular consequence: missense variant.
Genome position (GRCh38, 1-based): chr10:119,676,692, C>T. VCF-style: chr10-119676692-C-T. GRCh37 (hg19) VCF-style: chr10-121436204-C-T.
Other names: short protein forms P380S.
Identifiers: ClinVar variation 162782 (VCV000162782.48), dbSNP rs144692954, ClinGen allele CA175304.
Genomic context (GRCh38, chr10:119,676,692, plus strand): 5'-GAGAAGGTAGAGGTGAAAGTTCCCCCTGCTCCAGTTCCTTGTCCTCCTCCCAGCCCTGGC[C>T]CTTCTGCTGTCCCCTCTTCCCCCAAGAGTGTGGCTACAGAAGAGAGGGCAGCCCCCAGCA-3'
Protein context (NP_004272.2, residues 370-390): PVPCPPPSPG[Pro380Ser]SAVPSSPKSV

ClinVar aggregate classification (germline): Benign/Likely benign. Review status: criteria provided, multiple submitters, no conflicts (2 of 4 stars). 21 submissions from 21 submitters: Benign (12); Likely benign (5). 4 of the submissions do not count toward it. Last evaluated 2026-09-01.

Conditions:
Cardiovascular phenotype. Identifiers: MedGen CN230736.
Atrial fibrillation. Identifiers: MedGen C0004238, MONDO:0004981, HP:0005110.
Myofibrillar myopathy 6. Identifiers: Orphanet 199340, MedGen C2751831, MONDO:0013061, OMIM 612954.
Dilated cardiomyopathy 1HH (CMD1HH). Identifiers: Orphanet 154, MedGen C3151293, MONDO:0013479, OMIM 613881.
Cardiomyopathy (CMYO). Also called: Cardiomyopathies. Identifiers: Orphanet 167848, MedGen C0878544, MONDO:0004994, HP:0001638. Inheritance: Various modes of inheritance.

Allele frequency attached by ClinVar (database versions not stated): gnomAD exomes 0.00049 and 0.00126; ExAC 0.00148; gnomAD 0.00310 and 0.00327; TOPMed 0.00341; ESP Exome Variant Server 0.00369; 1000 Genomes Project 0.00499; 1000 Genomes Project 30x 0.00515.

Submissions (21):

CeGaT Center for Human Genetics Tuebingen
Classification: Likely benign. Last evaluated: 2026-09-01. Review status: criteria provided, single submitter. Criteria: CeGaT Center For Human Genetics Tuebingen Variant Classification Criteria Version 2. Collection method: clinical testing. Allele origin: germline. Affected: yes. Observed: 2 variant alleles.
Comment: BAG3: BP4, BS1

Labcorp Genetics (formerly Invitae), Labcorp
Classification: Benign for Dilated cardiomyopathy 1HH; Myofibrillar myopathy 6. Last evaluated: 2026-02-02. Review status: criteria provided, single submitter. Criteria: Invitae Variant Classification Sherloc (09022015). Collection method: clinical testing. Allele origin: germline.

Molecular Diagnostic Laboratory for Inherited Cardiovascular Disease, Montreal Heart Institute
Classification: Likely benign. Last evaluated: 2025-04-09. Review status: criteria provided, single submitter. Criteria: ACMG Guidelines, 2015. Collection method: clinical testing. Allele origin: germline. Affected: no.

Blueprint Genetics
Classification: Likely benign. Last evaluated: 2024-10-31. Review status: criteria provided, single submitter. Criteria: ACMG Guidelines, 2015. Collection method: clinical testing. Allele origin: germline.

Mayo Clinic Laboratories, Mayo Clinic
Classification: Benign. Last evaluated: 2024-03-15. Review status: criteria provided, single submitter. Criteria: ACMG Guidelines, 2015. Collection method: clinical testing. Allele origin: germline. Observed: 9 variant alleles.
Comment: BS1, BS2, BP4

ARUP Laboratories, Molecular Genetics and Genomics, ARUP Laboratories
Classification: Benign. Last evaluated: 2024-01-11. Review status: criteria provided, single submitter. Criteria: ARUP Molecular Germline Variant Investigation Process 2024. Collection method: clinical testing. Allele origin: germline.

CHEO Genetics Diagnostic Laboratory, Children's Hospital of Eastern Ontario
Classification: Benign for Cardiomyopathy. Last evaluated: 2023-05-16. Review status: criteria provided, single submitter. Criteria: ACMG Guidelines, 2015. Collection method: clinical testing. Allele origin: germline.

Mendelics
Classification: Benign for Myofibrillar myopathy 6. Last evaluated: 2019-05-28. Review status: criteria provided, single submitter. Criteria: Mendelics Assertion Criteria 2017. Collection method: clinical testing. Allele origin: unknown.

Center for Advanced Laboratory Medicine, UC San Diego Health, University of California San Diego
Classification: Benign for Atrial fibrillation. Last evaluated: 2019-04-17. Review status: criteria provided, single submitter. Criteria: ACMG Guidelines, 2015. Collection method: clinical testing. Allele origin: germline. Affected: yes. Observed: 1 variant allele.

GeneDx
Classification: Benign. Last evaluated: 2018-11-09. Review status: criteria provided, single submitter. Criteria: GeneDx Variant Classification Process June 2021. Collection method: clinical testing. Allele origin: germline. Affected: yes.
Comment: This variant is associated with the following publications: (PMID: 27896284, 21459883)

Women's Health and Genetics/Laboratory Corporation of America, LabCorp
Classification: Benign. Last evaluated: 2017-08-04. Review status: criteria provided, single submitter. Criteria: LabCorp Variant Classification Summary - May 2015. Collection method: clinical testing. Allele origin: germline.
Comment: Variant summary: The BAG3 c.1138C>T (p.Pro380Ser) variant involves the alteration of a non-conserved nucleotide. 2/3 in silico tools predict a benign outcome for this variant (SNPsandGO not captured due to low reliability index). This variant was found in 180/121378 control chromosomes (2 homozygotes) from ExAC, predominantly observed in the African subpopulation at a frequency of 0.010959 (114/10402). This frequency is about 281 times the estimated maximal expected allele frequency of a pathogenic BAG3 variant (0.0000391), suggesting this is likely a benign polymorphism found primarily in the populations of African origin. In addition, multiple clinical diagnostic laboratories in ClinVar have classified this variant as benign. The variant of interest has not, to our knowledge, been reported in affected individuals in literature. Taken together, this variant is classified as benign.

Eurofins Ntd Llc (ga)
Classification: Benign. Last evaluated: 2016-08-18. Review status: criteria provided, single submitter. Criteria: EGL Classification Definitions 2015. Collection method: clinical testing. Allele origin: germline. Observed: 1 variant allele, 1 heterozygote.

Center for Pediatric Genomic Medicine, Children's Mercy Hospital and Clinics
Classification: Likely benign. Last evaluated: 2016-07-22. Review status: criteria provided, single submitter. Criteria: ACMG Guidelines, 2015. Collection method: clinical testing. Allele origin: germline.
ClinVar note: Converted during submission from Likely Benign to Likely benign.

Ambry Genetics
Classification: Benign for Cardiovascular phenotype. Last evaluated: 2015-10-20. Review status: criteria provided, single submitter. Criteria: Ambry Variant Classification Scheme 2023. Collection method: clinical testing. Allele origin: germline.

Laboratory for Molecular Medicine, Mass General Brigham Personalized Medicine
Classification: Benign. Last evaluated: 2012-03-19. Review status: criteria provided, single submitter. Criteria: LMM Criteria. Collection method: clinical testing. Allele origin: germline. Observed: 4 variant alleles.
Comment: p.Pro380Ser in Exon 04 of BAG3: This variant is not expected to have clinical si gnificance because it has been identified in 1.0% (39/3738) of African American chromosomes from a broad population by the NHLBI Exome Sequencing Project (dbSNP rs144692954).

Breakthrough Genomics
Classification: Likely benign. Review status: criteria provided, single submitter. Criteria: ACMG Guidelines, 2015. Collection method: not provided. Allele origin: germline. Inheritance: Autosomal dominant inheritance. Affected: yes.

PreventionGenetics, part of Exact Sciences
Classification: Benign. Review status: criteria provided, single submitter. Criteria: ACMG Guidelines, 2015. Collection method: clinical testing. Allele origin: germline.

Clinical Genetics DNA and cytogenetics Diagnostics Lab, Erasmus MC, Erasmus Medical Center
Classification: Benign. Review status: no assertion criteria provided. Collection method: clinical testing. Allele origin: germline. Affected: yes. Study: VKGL Data-share Consensus. Not counted in ClinVar's aggregate classification.

Clinical Genetics, Academic Medical Center
Classification: Benign. Review status: no assertion criteria provided. Collection method: clinical testing. Allele origin: germline. Affected: yes. Study: VKGL Data-share Consensus. Not counted in ClinVar's aggregate classification.

Genome Diagnostics Laboratory, University Medical Center Utrecht
Classification: Benign. Review status: no assertion criteria provided. Collection method: clinical testing. Allele origin: germline. Affected: yes. Study: VKGL Data-share Consensus. Not counted in ClinVar's aggregate classification.

Joint Genome Diagnostic Labs from Nijmegen and Maastricht, Radboudumc and MUMC+
Classification: Benign. Review status: no assertion criteria provided. Collection method: clinical testing. Allele origin: germline. Affected: yes. Study: VKGL Data-share Consensus. Not counted in ClinVar's aggregate classification.

Literature cited by the submitters: PubMed 30140897 (cited by Mayo Clinic Laboratories, Mayo Clinic); PubMed 32956817 (cited by Mayo Clinic Laboratories, Mayo Clinic).